The following is an entry in ClinVar:

ClinVar aggregate classification (germline): Uncertain significance. Review status: criteria provided, multiple submitters, no conflicts (2 of 4 stars). 2 submissions from 2 submitters: Uncertain significance (2). Last evaluated 2024-12-05.

Conditions:
Inborn genetic diseases. Identifiers: MedGen C0950123, MeSH D030342.

Allele frequency attached by ClinVar (database versions not stated): gnomAD 0.00001.
gnomAD v4.1: 3 of 1,614,024 alleles (0.00019%); highest among the groups gnomAD compares: African/African-American, 0.0013%; no homozygotes.

Submissions (2):

Ambry Genetics
Classification: Uncertain significance for Inborn genetic diseases. Last evaluated: 2024-12-05. Review status: criteria provided, single submitter. Criteria: Ambry Variant Classification Scheme 2023. Collection method: clinical testing. Allele origin: germline.

Labcorp Genetics (formerly Invitae), Labcorp
Classification: Uncertain significance. Last evaluated: 2021-02-01. Review status: criteria provided, single submitter. Criteria: Invitae Variant Classification Sherloc (09022015). Collection method: clinical testing. Allele origin: germline.
Comment: In summary, the available evidence is currently insufficient to determine the role of this variant in disease. Therefore, it has been classified as a Variant of Uncertain Significance. Algorithms developed to predict the effect of missense changes on protein structure and function (SIFT, PolyPhen-2, Align-GVGD) all suggest that this variant is likely to be tolerated, but these predictions have not been confirmed by published functional studies and their clinical significance is uncertain. This variant has not been reported in the literature in individuals with DFNA5-related conditions. This variant is not present in population databases (ExAC no frequency). This sequence change replaces valine with leucine at codon 469 of the DFNA5 protein (p.Val469Leu). The valine residue is moderately conserved and there is a small physicochemical difference between valine and leucine.

NM_001127453.2(GSDME):c.1405G>C (p.Val469Leu)

Gene: GSDME (gasdermin E; minus strand). Cytogenetic location: 7p15.3.
Variant type: single nucleotide variant.
Coding change: c.1405G>C on transcript NM_001127453.2 (MANE Select); coding-DNA position 1405, G replaced by C.
Protein change: p.Val469Leu; replaces valine 469 with leucine.
Molecular consequence: missense variant.
Genome position (GRCh38, 1-based): chr7:24,699,112, C>G on the plus strand (G>C on the coding strand, the complement: GSDME is on the minus strand). VCF-style: chr7-24699112-C-G. GRCh37 (hg19) VCF-style: chr7-24738731-C-G.
Other names: c.913G>C, p.Val305Leu (NM_001127454.2); c.1405G>C, p.Val469Leu (NM_004403.3); c.1405G>C (NM_004403.2); short protein forms V305L, V469L.
Identifiers: ClinVar variation 1680821 (VCV001680821.9), dbSNP rs148824063, ClinGen allele CA367044282.